The following is an entry in ClinVar:

NM_004588.5(SCN2B):c.45G>A (p.Thr15=)

Gene: SCN2B (sodium voltage-gated channel beta subunit 2; minus strand). Cytogenetic location: 11q23.3.
Variant type: single nucleotide variant.
Coding change: c.45G>A on transcript NM_004588.5 (MANE Select); coding-DNA position 45, G replaced by A.
Protein change: p.Thr15=; no amino-acid change (threonine 15 retained).
Molecular consequence: synonymous variant.
Genome position (GRCh38, 1-based): chr11:118,176,387, C>T on the plus strand (G>A on the coding strand, the complement: SCN2B is on the minus strand). VCF-style: chr11-118176387-C-T. GRCh37 (hg19) VCF-style: chr11-118047102-C-T.
Identifiers: ClinVar variation 516019 (VCV000516019.7), dbSNP rs376823705, ClinGen allele CA6300570.

ClinVar aggregate classification (germline): Likely benign. Review status: criteria provided, multiple submitters, no conflicts (2 of 4 stars). 3 submissions from 3 submitters: Likely benign (3). Last evaluated 2022-04-16.

Conditions:
Cardiovascular phenotype. Identifiers: MedGen CN230736.
Atrial fibrillation, familial, 14 (ATFB14). Identifiers: MedGen C3809312, MONDO:0014156, OMIM 615378.

Allele frequency attached by ClinVar (database versions not stated): gnomAD exomes below 0.00001; ExAC 0.00001; TOPMed 0.00002; ESP Exome Variant Server 0.00008.
gnomAD v4.1: 25 of 1,614,044 alleles (0.0015%); highest among the groups gnomAD compares: Non-Finnish European, 0.0018%; no homozygotes.

Submissions (3):

Labcorp Genetics (formerly Invitae), Labcorp
Classification: Likely benign for Atrial fibrillation, familial, 14. Last evaluated: 2022-04-16. Review status: criteria provided, single submitter. Criteria: Invitae Variant Classification Sherloc (09022015). Collection method: clinical testing. Allele origin: germline.

Ambry Genetics
Classification: Likely benign for Cardiovascular phenotype. Last evaluated: 2022-04-04. Review status: criteria provided, single submitter. Criteria: Ambry Variant Classification Scheme 2023. Collection method: clinical testing. Allele origin: germline.

GeneDx
Classification: Likely benign. Last evaluated: 2018-03-12. Review status: criteria provided, single submitter. Criteria: GeneDx Variant Classification (06012015). Collection method: clinical testing. Allele origin: germline. Affected: yes.
Comment: This variant is considered likely benign or benign based on one or more of the following criteria: it is a conservative change, it occurs at a poorly conserved position in the protein, it is predicted to be benign by multiple in silico algorithms, and/or has population frequency not consistent with disease.